The following is an entry in ClinVar:

ClinVar aggregate classification (germline): Likely pathogenic (1 of 4 stars; one submission).

Conditions:
SLC10A1-related disorder. Also called: SLC10A1-related condition.

gnomAD v4.1: 11 of 1,609,518 alleles (0.00068%); highest among the groups gnomAD compares: East Asian, 0.022%; no homozygotes.

Submission:

PreventionGenetics, part of Exact Sciences
Classification: Likely pathogenic for SLC10A1-related condition. Last evaluated: 2025-10-22. Review status: criteria provided, single submitter. Criteria: ACMG Guidelines, 2015. Collection method: clinical testing. Allele origin: germline.
Comment: The SLC10A1 c.915G>A variant is predicted to result in premature protein termination (p.Trp305*). To our knowledge, this variant has not been reported in the literature or in a large population database (gnomAD), indicating this variant is rare. Nonsense variants in SLC10A1 are expected to be pathogenic. Taken together, this variant is interpreted as likely pathogenic.

NM_003049.4(SLC10A1):c.915G>A (p.Trp305Ter)

Gene: SLC10A1 (solute carrier family 10 member 1; minus strand). Cytogenetic location: 14q24.1.
Variant type: single nucleotide variant.
Coding change: c.915G>A on transcript NM_003049.4 (MANE Select); coding-DNA position 915, G replaced by A.
Protein change: p.Trp305Ter; replaces tryptophan 305 with a stop codon.
Molecular consequence: nonsense.
Genome position (GRCh38, 1-based): chr14:69,778,361, C>T on the plus strand (G>A on the coding strand, the complement: SLC10A1 is on the minus strand). VCF-style: chr14-69778361-C-T. GRCh37 (hg19) VCF-style: chr14-70245078-C-T.
Other names: short protein forms W305*.
Identifiers: ClinVar variation 4980027 (VCV004980027.1).